The following is an entry in ClinVar:

NM_001291303.3(FAT4):c.11225A>G (p.Gln3742Arg)

Gene: FAT4 (FAT atypical cadherin 4; plus strand). Cytogenetic location: 4q28.1.
Variant type: single nucleotide variant.
Coding change: c.11225A>G on transcript NM_001291303.3 (MANE Select); coding-DNA position 11225, A replaced by G.
Protein change: p.Gln3742Arg; replaces glutamine 3742 with arginine.
Molecular consequence: missense variant.
Genome position (GRCh38, 1-based): chr4:125,452,235, A>G. VCF-style: chr4-125452235-A-G. GRCh37 (hg19) VCF-style: chr4-126373390-A-G.
Other names: c.11225A>G, p.Gln3742Arg (NM_001291285.3); c.11219A>G, p.Gln3740Arg (NM_024582.6); short protein forms Q3740R, Q3742R.
Identifiers: ClinVar variation 3600463 (VCV003600463.1).
Genomic context (GRCh38, chr4:125,452,235, plus strand): 5'-CAACAGTAAAGGACTTCTTGACCAACCACTATCTTCATTTTTTACGCATTGCCAGCTCAC[A>G]GCTGACAGGCTTAGGGACTGCTGTGCAACTGTACAGTGCATATGAAGAGAACAATAGAAC-3'
Protein context (NP_001278232.1, residues 3732-3752): YLHFLRIASS[Gln3742Arg]LTGLGTAVQL

ClinVar aggregate classification (germline): Uncertain significance (1 of 4 stars; one submission).

Conditions:
Hennekam lymphangiectasia-lymphedema syndrome 2 (HKLLS2). Identifiers: Orphanet 2136, MedGen C4014939, MONDO:0014454, OMIM 616006.

gnomAD v4.1: 2 of 1,614,252 alleles (0.00012%); highest among the groups gnomAD compares: Non-Finnish European, 0.00017%; no homozygotes.

Submission:

Clinical Genomics Laboratory, Washington University in St. Louis
Classification: Uncertain significance for Hennekam lymphangiectasia-lymphedema syndrome 2. Last evaluated: 2024-06-10. Review status: criteria provided, single submitter. Criteria: ACMG Guidelines, 2015. Collection method: clinical testing. Allele origin: germline.
Comment: A FAT4 c.11225A>G (p.Gln3742Arg) variant was identified at a near heterozygous allelic fraction of 48.2%, a frequency which may be consistent with germline origin. This variant, to our knowledge, has not been reported in the medical literature. It is only observed on 2/1,614,252 alleles in the general population (gnomAD v.4.1.0), indicating it is not a common variant.Computational predictors suggest that the variant does not impact FAT4 function. Due to limited information, and based on ACMG/AMP guidelines for variant interpretation (Richards S et al., PMID: 25741868), the clinical significance of this variant is uncertain at this time.